The following is an entry in ClinVar:

ClinVar aggregate classification (germline): Uncertain significance. Review status: criteria provided, multiple submitters, no conflicts (2 of 4 stars). 2 submissions from 2 submitters: Uncertain significance (2). Last evaluated 2022-03-26.

Conditions:
Congenital myopathy with fiber type disproportion. Also called: Congenital fiber-type disproportion myopathy; Congenital fiber-type disproportion. Identifiers: Orphanet 2020, MedGen C0546264, MONDO:0009711. Inheritance: all.
RYR1-related disorder. Also called: RYR1-related disorders; RYR1-related condition. Identifiers: MedGen CN239331.

Submissions (2):

Labcorp Genetics (formerly Invitae), Labcorp
Classification: Uncertain significance for RYR1-related disorder. Last evaluated: 2022-03-26. Review status: criteria provided, single submitter. Criteria: Invitae Variant Classification Sherloc (09022015). Collection method: clinical testing. Allele origin: germline.
Comment: This sequence change falls in intron 94 of the RYR1 gene. It does not directly change the encoded amino acid sequence of the RYR1 protein. It affects a nucleotide within the consensus splice site. This variant is not present in population databases (gnomAD no frequency). In summary, the available evidence is currently insufficient to determine the role of this variant in disease. Therefore, it has been classified as a Variant of Uncertain Significance. Variants that disrupt the consensus splice site are a relatively common cause of aberrant splicing (PMID: 17576681, 9536098). Algorithms developed to predict the effect of sequence changes on RNA splicing suggest that this variant is not likely to affect RNA splicing. ClinVar contains an entry for this variant (Variation ID: 931922). This variant has not been reported in the literature in individuals affected with RYR1-related conditions.

Centre for Mendelian Genomics, University Medical Centre Ljubljana
Classification: Uncertain significance for Congenital myopathy 4A, autosomal dominant. Last evaluated: 2019-01-09. Review status: criteria provided, single submitter. Criteria: ACMG Guidelines, 2015. Collection method: clinical testing. Allele origin: unknown. Affected: yes.
Comment: This variant was classified as: Uncertain significance. The available evidence favors the pathogenic nature of this variant, however the currently available data is insufficient to conclusively support its pathogenic nature. Thus this variant is classified as Uncertain significance - favor pathogenic. The following ACMG criteria were applied in classifying this variant: PM2,PP3.

Literature cited by the submitters: PubMed 17576681 (cited by Labcorp Genetics (formerly Invitae), Labcorp); PubMed 9536098 (cited by Labcorp Genetics (formerly Invitae), Labcorp).

NM_000540.3(RYR1):c.13746+4C>G

Gene: RYR1 (ryanodine receptor 1; plus strand). Cytogenetic location: 19q13.2.
Variant type: single nucleotide variant.
Coding change: c.13746+4C>G on transcript NM_000540.3 (MANE Select); 4 bases into the intron after coding-DNA position 13746, C replaced by G.
Molecular consequence: intron variant.
Genome position (GRCh38, 1-based): chr19:38,570,697, C>G. VCF-style: chr19-38570697-C-G. GRCh37 (hg19) VCF-style: chr19-39061337-C-G.
Other names: c.13731+4C>G (NM_001042723.2).
Identifiers: ClinVar variation 931922 (VCV000931922.8), dbSNP rs1973676634, ClinGen allele CA1139666440.